The following is an entry in ClinVar:

ClinVar aggregate classification (germline): Uncertain significance (1 of 4 stars; one submission).

Allele frequency attached by ClinVar (database versions not stated): ExAC 0.00002; TOPMed 0.00002; gnomAD 0.00005; gnomAD exomes 0.00006; ESP Exome Variant Server 0.00008; 1000 Genomes Project 0.00020; 1000 Genomes Project 30x 0.00031.
gnomAD v4.1: 102 of 1,613,956 alleles (0.0063%); highest among the groups gnomAD compares: Non-Finnish European, 0.0079%; no homozygotes.

Submission:

Labcorp Genetics (formerly Invitae), Labcorp
Classification: Uncertain significance. Last evaluated: 2025-10-26. Review status: criteria provided, single submitter. Criteria: Invitae Variant Classification Sherloc (09022015). Collection method: clinical testing. Allele origin: germline.
Comment: This sequence change replaces threonine, which is neutral and polar, with methionine, which is neutral and non-polar, at codon 553 of the ADGRA3 protein (p.Thr553Met). This variant is present in population databases (rs186077400, gnomAD 0.008%). This variant has not been reported in the literature in individuals affected with ADGRA3-related conditions. ClinVar contains an entry for this variant (Variation ID: 2144522). An algorithm developed to predict the effect of missense changes on protein structure and function (PolyPhen-2) suggests that this variant is likely to be disruptive. In summary, the available evidence is currently insufficient to determine the role of this variant in disease. Therefore, it has been classified as a Variant of Uncertain Significance.

NM_145290.4(ADGRA3):c.1658C>T (p.Thr553Met)

Gene: ADGRA3 (adhesion G protein-coupled receptor A3; minus strand). Cytogenetic location: 4p15.2.
Variant type: single nucleotide variant.
Coding change: c.1658C>T on transcript NM_145290.4 (MANE Select); coding-DNA position 1658, C replaced by T.
Protein change: p.Thr553Met; replaces threonine 553 with methionine.
Molecular consequence: missense variant.
Genome position (GRCh38, 1-based): chr4:22,421,037, G>A on the plus strand (C>T on the coding strand, the complement: ADGRA3 is on the minus strand). VCF-style: chr4-22421037-G-A. GRCh37 (hg19) VCF-style: chr4-22422660-G-A.
Other names: short protein forms T553M.
Identifiers: ClinVar variation 2144522 (VCV002144522.4), dbSNP rs186077400, ClinGen allele CA2873882.
Genomic context (GRCh38, chr4:22,421,037, plus strand): 5'-TCCGAAAGTCCTGTACGATCAGAGGCTGCCACTTTCTGGAACACGGTACAGGTCATCCCC[G>A]TGAAGCCAGTAGACTTGATGACATAAGCTTCCAGAGCAATATTGGGTGAATACTTGAAAA-3'
Protein context (NP_660333.2, residues 543-563): EAYVIKSTGF[Thr553Met]GMTCTVFQKV